The following is an entry in ClinVar:

NM_001379200.1(TBX1):c.1132C>A (p.Leu378Ile)

Gene: TBX1 (T-box transcription factor 1; plus strand). Cytogenetic location: 22q11.21.
Variant type: single nucleotide variant.
Coding change: c.1132C>A on transcript NM_001379200.1 (MANE Select); coding-DNA position 1132, C replaced by A.
Protein change: p.Leu378Ile; replaces leucine 378 with isoleucine.
Molecular consequence: missense variant. On other transcripts: intron variant (2).
Genome position (GRCh38, 1-based): chr22:19,766,484, C>A. VCF-style: chr22-19766484-C-A. GRCh37 (hg19) VCF-style: chr22-19754007-C-A.
Other names: c.1105C>A, p.Leu369Ile (NM_080647.1); c.1009+482C>A (NM_005992.1, NM_080646.2); short protein forms L369I, L378I.
Identifiers: ClinVar variation 5010046 (VCV005010046.1).

ClinVar aggregate classification (germline): Uncertain significance (1 of 4 stars; one submission).

Submission:

GeneDx
Classification: Uncertain significance. Last evaluated: 2026-02-12. Review status: criteria provided, single submitter. Criteria: GeneDx Variant Classification Process June 2021. Collection method: clinical testing. Allele origin: germline.
Comment: Not observed at significant frequency in large population cohorts (gnomAD); In silico analysis suggests that this missense variant does not alter protein structure/function; Has not been previously published as pathogenic or benign to our knowledge